The following is an entry in ClinVar:

NM_006070.6(TFG):c.722-25TG[12]

Gene: TFG (trafficking from ER to golgi regulator; plus strand). Cytogenetic location: 3q12.2.
Variant type: Microsatellite.
Coding change: c.722-25TG[12] on transcript NM_006070.6 (MANE Select); 12 copies in a row of the 2-base unit TG starting at c.722-25.
Molecular consequence: intron variant.
Genome position: GRCh38 VCF-style: chr3-100744807-T-TTGTGTG. GRCh37 (hg19) VCF-style: chr3-100463651-T-TTGTGTG.
Other names: c.722-25TG[12] (NM_001007565.2, NM_001195478.2); c.710-25TG[12] (NM_001195479.2).
Identifiers: ClinVar variation 510046 (VCV000510046.18), dbSNP rs371704682, ClinGen allele CA658796348.
Genomic context (GRCh38, chr3:100,744,807, plus strand): 5'-GGGAATGTATATGTATCTTAAAAATATTTCTCTTTGCCACATTAAACATGCCTTTTTTCC[T>TTGTGTG]TGTGTGTGTGTGTGTGTGTTTTCAGGTCAGATGTACCAACAGTACCAGCAACAGGCCGGC-3'

ClinVar aggregate classification (germline): Likely benign. Review status: criteria provided, multiple submitters, no conflicts (2 of 4 stars). 2 submissions from 2 submitters: Likely benign (2). Last evaluated 2025-02-01.

Submissions (2):

CeGaT Center for Human Genetics Tuebingen
Classification: Likely benign. Last evaluated: 2025-02-01. Review status: criteria provided, single submitter. Criteria: CeGaT Center For Human Genetics Tuebingen Variant Classification Criteria Version 2. Collection method: clinical testing. Allele origin: germline. Affected: yes. Observed: 1 variant allele.
Comment: TFG: BP4

GeneDx
Classification: Likely benign. Last evaluated: 2022-11-07. Review status: criteria provided, single submitter. Criteria: GeneDx Variant Classification Process June 2021. Collection method: clinical testing. Allele origin: germline. Affected: yes.
Comment: See Variant Classification Assertion Criteria.